The following is an entry in ClinVar:

ClinVar aggregate classification (germline): Conflicting classifications of pathogenicity. Review status: criteria provided, conflicting classifications (1 of 4 stars). 3 submissions from 3 submitters: Uncertain significance (2); Likely benign (1). Last evaluated 2025-08-01.

Conditions:
Hereditary cancer-predisposing syndrome. Also called: Tumor predisposition; Neoplastic Syndromes, Hereditary; Hereditary neoplastic syndrome; Hereditary Cancer Syndrome. Identifiers: Orphanet 140162, MedGen C0027672, MeSH D009386, MONDO:0015356.
Renal cell carcinoma. Identifiers: Orphanet 217071, MedGen C0007134, MeSH D002292, MONDO:0005086, HP:0005584.

Allele frequency attached by ClinVar (database versions not stated): gnomAD exomes below 0.00001; TOPMed below 0.00001; gnomAD 0.00001.
gnomAD v4.1: 2 of 1,613,904 alleles (0.00012%); highest among the groups gnomAD compares: South Asian, 0.0022%; no homozygotes.

Submissions (3):

Ambry Genetics
Classification: Likely benign for Hereditary cancer-predisposing syndrome. Last evaluated: 2025-08-01. Review status: criteria provided, single submitter. Criteria: Ambry Variant Classification Scheme 2023. Collection method: clinical testing. Allele origin: germline.

GeneDx
Classification: Uncertain significance. Last evaluated: 2023-11-09. Review status: criteria provided, single submitter. Criteria: GeneDx Variant Classification Process June 2021. Collection method: clinical testing. Allele origin: germline. Affected: yes.
Comment: Not observed at significant frequency in large population cohorts (gnomAD); In silico analysis supports that this missense variant does not alter protein structure/function; Has not been previously published as pathogenic or benign to our knowledge

Labcorp Genetics (formerly Invitae), Labcorp
Classification: Uncertain significance for Renal cell carcinoma. Last evaluated: 2020-11-05. Review status: criteria provided, single submitter. Criteria: Invitae Variant Classification Sherloc (09022015). Collection method: clinical testing. Allele origin: germline.
Comment: In summary, the available evidence is currently insufficient to determine the role of this variant in disease. Therefore, it has been classified as a Variant of Uncertain Significance. Algorithms developed to predict the effect of missense changes on protein structure and function are either unavailable or do not agree on the potential impact of this missense change (SIFT: "Deleterious"; PolyPhen-2: "Benign"; Align-GVGD: "Class C0"). This variant has not been reported in the literature in individuals with MET-related conditions. This variant is not present in population databases (ExAC no frequency). This sequence change replaces serine with asparagine at codon 1153 of the MET protein (p.Ser1153Asn). The serine residue is highly conserved and there is a small physicochemical difference between serine and asparagine.

NM_000245.4(MET):c.3404G>A (p.Ser1135Asn)

Gene: MET (MET proto-oncogene, receptor tyrosine kinase; plus strand). Cytogenetic location: 7q31.2.
Variant type: single nucleotide variant.
Coding change: c.3404G>A on transcript NM_000245.4 (MANE Select); coding-DNA position 3404, G replaced by A.
Protein change: p.Ser1135Asn; replaces serine 1135 with asparagine.
Molecular consequence: missense variant.
Genome position (GRCh38, 1-based): chr7:116,778,839, G>A. VCF-style: chr7-116778839-G-A. GRCh37 (hg19) VCF-style: chr7-116418893-G-A.
Other names: c.3458G>A, p.Ser1153Asn (NM_001127500.3); c.2114G>A, p.Ser705Asn (NM_001324402.2); short protein forms S1135N, S1153N, S705N.
Identifiers: ClinVar variation 1513398 (VCV001513398.12), dbSNP rs1795069423, ClinGen allele CA368990083.
Genomic context (GRCh38, chr7:116,778,839, plus strand): 5'-TCACTGACATAGGAGAAGTTTCCCAATTTCTGACCGAGGGAATCATCATGAAAGATTTTA[G>A]TCATCCCAATGTCCTCTCGCTCCTGGGAATCTGCCTGCGAAGTGAAGGGTCTCCGCTGGT-3'
Protein context (NP_000236.2, residues 1125-1145): LTEGIIMKDF[Ser1135Asn]HPNVLSLLGI